The following is an entry in ClinVar:

NM_001194.4(HCN2):c.2564G>A (p.Arg855Gln)

Gene: HCN2 (hyperpolarization activated cyclic nucleotide gated potassium and sodium channel 2; plus strand). Cytogenetic location: 19p13.3.
Variant type: single nucleotide variant.
Coding change: c.2564G>A on transcript NM_001194.4 (MANE Select); coding-DNA position 2564, G replaced by A.
Protein change: p.Arg855Gln; replaces arginine 855 with glutamine.
Molecular consequence: missense variant.
Genome position (GRCh38, 1-based): chr19:616,368, G>A. VCF-style: chr19-616368-G-A. GRCh37 (hg19) VCF-style: chr19-616368-G-A.
Other names: short protein forms R855Q.
Identifiers: ClinVar variation 4534454 (VCV004534454.6).

ClinVar aggregate classification (germline): Uncertain significance (1 of 4 stars; one submission).

gnomAD v4.1: 6 of 1,223,038 alleles (0.00049%); highest among the groups gnomAD compares: African/African-American, 0.0016%; no homozygotes.

Submission:

CeGaT Center for Human Genetics Tuebingen
Classification: Uncertain significance. Last evaluated: 2025-10-01. Review status: criteria provided, single submitter. Criteria: CeGaT Center For Human Genetics Tuebingen Variant Classification Criteria Version 2. Collection method: clinical testing. Allele origin: germline. Affected: yes. Observed: 1 variant allele.
Comment: HCN2: PP3